The following is an entry in ClinVar:

NM_000092.5(COL4A4):c.461G>C (p.Arg154Thr)

Gene: COL4A4 (collagen type IV alpha 4 chain; minus strand). Cytogenetic location: 2q36.3.
Variant type: single nucleotide variant.
Coding change: c.461G>C on transcript NM_000092.5 (MANE Select); coding-DNA position 461, G replaced by C.
Protein change: p.Arg154Thr; replaces arginine 154 with threonine.
Molecular consequence: missense variant.
Genome position (GRCh38, 1-based): chr2:227,118,673, C>G on the plus strand (G>C on the coding strand, the complement: COL4A4 is on the minus strand). VCF-style: chr2-227118673-C-G. GRCh37 (hg19) VCF-style: chr2-227983389-C-G.
Other names: short protein forms R154T.
Identifiers: ClinVar variation 4700293 (VCV004700293.1).

ClinVar aggregate classification (germline): Uncertain significance (1 of 4 stars; one submission).

Submission:

Labcorp Genetics (formerly Invitae), Labcorp
Classification: Uncertain significance. Last evaluated: 2025-04-09. Review status: criteria provided, single submitter. Criteria: Invitae Variant Classification Sherloc (09022015). Collection method: clinical testing. Allele origin: germline.
Comment: This sequence change replaces arginine, which is basic and polar, with threonine, which is neutral and polar, at codon 154 of the COL4A4 protein (p.Arg154Thr). This variant is not present in population databases (gnomAD no frequency). This variant has not been reported in the literature in individuals affected with COL4A4-related conditions. Invitae Evidence Modeling of protein sequence and biophysical properties (such as structural, functional, and spatial information, amino acid conservation, physicochemical variation, residue mobility, and thermodynamic stability) indicates that this missense variant is not expected to disrupt COL4A4 protein function with a negative predictive value of 95%. In summary, the available evidence is currently insufficient to determine the role of this variant in disease. Therefore, it has been classified as a Variant of Uncertain Significance.